The following is an entry in ClinVar:

ClinVar aggregate classification (germline): Uncertain significance (1 of 4 stars; one submission).

Conditions:
Nephronophthisis 14 (NPHP14). Identifiers: Orphanet 2318, MedGen C3539071, MONDO:0013916, OMIM 614844.

Submission:

Labcorp Genetics (formerly Invitae), Labcorp
Classification: Uncertain significance for Nephronophthisis 14. Last evaluated: 2020-08-28. Review status: criteria provided, single submitter. Criteria: Invitae Variant Classification Sherloc (09022015). Collection method: clinical testing. Allele origin: germline.
Comment: This variant has not been reported in the literature in individuals with ZNF423-related conditions. In summary, the available evidence is currently insufficient to determine the role of this variant in disease. Therefore, it has been classified as a Variant of Uncertain Significance. Algorithms developed to predict the effect of missense changes on protein structure and function are either unavailable or do not agree on the potential impact of this missense change (SIFT: "Deleterious"; PolyPhen-2: "Benign"; Align-GVGD: "Class C35"). This variant is not present in population databases (ExAC no frequency). This sequence change replaces proline with threonine at codon 996 of the ZNF423 protein (p.Pro996Thr). The proline residue is highly conserved and there is a small physicochemical difference between proline and threonine.

NM_001379286.1(ZNF423):c.3010C>A (p.Pro1004Thr)

Gene: ZNF423 (zinc finger protein 423; minus strand). Cytogenetic location: 16q12.1.
Variant type: single nucleotide variant.
Coding change: c.3010C>A on transcript NM_001379286.1 (MANE Select); coding-DNA position 3010, C replaced by A.
Protein change: p.Pro1004Thr; replaces proline 1004 with threonine.
Molecular consequence: missense variant.
Genome position (GRCh38, 1-based): chr16:49,636,166, G>T on the plus strand (C>A on the coding strand, the complement: ZNF423 is on the minus strand). VCF-style: chr16-49636166-G-T. GRCh37 (hg19) VCF-style: chr16-49670077-G-T.
Other names: c.2806C>A, p.Pro936Thr (NM_001271620.2); c.2635C>A, p.Pro879Thr (NM_001330533.2); c.2986C>A, p.Pro996Thr (NM_015069.5); short protein forms P1004T, P879T, P936T, P996T.
Identifiers: ClinVar variation 1054157 (VCV001054157.9), dbSNP rs1367336475, ClinGen allele CA395840895.
Genomic context (GRCh38, chr16:49,636,166, plus strand): 5'-AGTTGCGCAGGTCAGGGTGCATCTGGCAGTGCTCAATAAACTCCTCCTCGCTCTGCAGGG[G>T]CATCTTGCAGATGCGACAGGTGCCCGTGTCCAGGCTCTTGCTGTGGGTCACCTTGTGTTC-3'
Protein context (NP_001366215.1, residues 994-1014): DTGTCRICKM[Pro1004Thr]LQSEEEFIEH